The following is an entry in ClinVar:

ClinVar aggregate classification (germline): Uncertain significance (1 of 4 stars; one submission).

gnomAD v4.1: 3 of 1,614,116 alleles (0.00019%); highest among the groups gnomAD compares: Non-Finnish European, 0.00025%; no homozygotes.

Submission:

GeneDx
Classification: Uncertain significance. Last evaluated: 2024-12-06. Review status: criteria provided, single submitter. Criteria: GeneDx Variant Classification Process June 2021. Collection method: clinical testing. Allele origin: germline. Affected: yes.
Comment: Not observed at significant frequency in large population cohorts (gnomAD); In silico analysis indicates that this missense variant does not alter protein structure/function; Has not been previously published as pathogenic or benign to our knowledge

NM_000018.4(ACADVL):c.1264G>A (p.Gly422Ser)

Gene: ACADVL (acyl-CoA dehydrogenase very long chain; plus strand). Cytogenetic location: 17p13.1.
Variant type: single nucleotide variant.
Coding change: c.1264G>A on transcript NM_000018.4 (MANE Select); coding-DNA position 1264, G replaced by A.
Protein change: p.Gly422Ser; replaces glycine 422 with serine.
Molecular consequence: missense variant.
Genome position (GRCh38, 1-based): chr17:7,223,725, G>A. VCF-style: chr17-7223725-G-A. GRCh37 (hg19) VCF-style: chr17-7127044-G-A.
Other names: c.1198G>A, p.Gly400Ser (NM_001033859.3); c.1333G>A, p.Gly445Ser (NM_001270447.2); c.1036G>A, p.Gly346Ser (NM_001270448.2); short protein forms G346S, G400S, G422S, G445S.
Identifiers: ClinVar variation 3901436 (VCV003901436.1).